The following is an entry in ClinVar:

ClinVar aggregate classification (germline): Uncertain significance (1 of 4 stars; one submission).

Conditions:
Long QT syndrome (LQTS). Identifiers: MedGen C0023976, MeSH D008133, MONDO:0002442. Disease mechanism: loss of function. Inheritance: Various modes of inheritance.

Submission:

Labcorp Genetics (formerly Invitae), Labcorp
Classification: Uncertain significance for Long QT syndrome. Last evaluated: 2025-04-09. Review status: criteria provided, single submitter. Criteria: Invitae Variant Classification Sherloc (09022015). Collection method: clinical testing. Allele origin: germline.
Comment: This sequence change replaces threonine, which is neutral and polar, with arginine, which is basic and polar, at codon 2271 of the ANK2 protein (p.Thr2271Arg). This variant is not present in population databases (gnomAD no frequency). This variant has not been reported in the literature in individuals affected with ANK2-related conditions. An algorithm developed to predict the effect of missense changes on protein structure and function (PolyPhen-2) suggests that this variant is likely to be tolerated. In summary, the available evidence is currently insufficient to determine the role of this variant in disease. Therefore, it has been classified as a Variant of Uncertain Significance.

NM_001148.6(ANK2):c.6812C>G (p.Thr2271Arg)

Genes: ANK2 (ankyrin 2; plus strand), LOC126807137 (CDK7 strongly-dependent group 2 enhancer GRCh37_chr4:114276560-114277759; plus strand). Cytogenetic location: 4q26.
Variant type: single nucleotide variant.
Coding change: c.6812C>G on transcript NM_001148.6 (MANE Select); coding-DNA position 6812, C replaced by G.
Protein change: p.Thr2271Arg; replaces threonine 2271 with arginine.
Molecular consequence: missense variant. On other transcripts: intron variant (68).
Genome position (GRCh38, 1-based): chr4:113,355,430, C>G. VCF-style: chr4-113355430-C-G. GRCh37 (hg19) VCF-style: chr4-114276586-C-G.
Other names: c.6578C>G, p.Thr2193Arg (NM_001386142.1); c.3212C>G, p.Thr1071Arg (NM_001386166.1); c.6953C>G, p.Thr2318Arg (NM_001386174.1); c.6929C>G, p.Thr2310Arg (NM_001386175.1); c.4411+5181C>G (NM_001386186.2, NM_001386148.2); c.4213+5181C>G (NM_001354269.3); c.4291+5181C>G (NM_001386187.2); c.4252+5181C>G (NM_001386147.1); and 35 more; short protein forms T2318R, T1071R, T2310R, T2193R, T2271R.
Identifiers: ClinVar variation 4700240 (VCV004700240.1).